The following is an entry in ClinVar:

ClinVar aggregate classification (germline): Uncertain significance (1 of 4 stars; one submission).

Conditions:
Oligodontia-cancer predisposition syndrome. Also called: TOOTH AGENESIS-COLORECTAL CANCER SYNDROME. Identifiers: Orphanet 300576, MedGen C1837750, MONDO:0012075, OMIM 608615. Disease mechanism: loss of function.

Submission:

Labcorp Genetics (formerly Invitae), Labcorp
Classification: Uncertain significance for Oligodontia-cancer predisposition syndrome. Last evaluated: 2021-04-11. Review status: criteria provided, single submitter. Criteria: Invitae Variant Classification Sherloc (09022015). Collection method: clinical testing. Allele origin: germline.
Comment: In summary, the available evidence is currently insufficient to determine the role of this variant in disease. Therefore, it has been classified as a Variant of Uncertain Significance. Algorithms developed to predict the effect of missense changes on protein structure and function (SIFT, PolyPhen-2, Align-GVGD) all suggest that this variant is likely to be tolerated, but these predictions have not been confirmed by published functional studies and their clinical significance is uncertain. This variant has not been reported in the literature in individuals with AXIN2-related conditions. This variant is not present in population databases (ExAC no frequency). This sequence change replaces histidine with proline at codon 351 of the AXIN2 protein (p.His351Pro). The histidine residue is moderately conserved and there is a moderate physicochemical difference between histidine and proline.

NM_004655.4(AXIN2):c.1052A>C (p.His351Pro)

Gene: AXIN2 (axin 2; minus strand). Cytogenetic location: 17q24.1.
Variant type: single nucleotide variant.
Coding change: c.1052A>C on transcript NM_004655.4 (MANE Select); coding-DNA position 1052, A replaced by C.
Protein change: p.His351Pro; replaces histidine 351 with proline.
Molecular consequence: missense variant.
Genome position (GRCh38, 1-based): chr17:65,541,462, T>G on the plus strand (A>C on the coding strand, the complement: AXIN2 is on the minus strand). VCF-style: chr17-65541462-T-G. GRCh37 (hg19) VCF-style: chr17-63537580-T-G.
Other names: c.1052A>C, p.His351Pro (NM_001363813.1); short protein forms H351P.
Identifiers: ClinVar variation 1387045 (VCV001387045.8), dbSNP rs2144499807, ClinGen allele CA400679076.
Genomic context (GRCh38, chr17:65,541,462, plus strand): 5'-TAGGACTCAACATGGCAGAAAACAGCTGTCTCCTCACTCCAGACTGTACTCACCGGGAAA[T>G]GAGGTAGAGACACTTGGCCATTGGCCTTCACACTGCGATGCATTTCTCTCTGGAGCTGTT-3'
Protein context (NP_004646.3, residues 341-361): VKANGQVSLP[His351Pro]FPRTHRLPKE